The following is an entry in ClinVar:

ClinVar aggregate classification (germline): Uncertain significance (1 of 4 stars; one submission).

Submission:

Dasa
Classification: Uncertain significance. Last evaluated: 2025-09-15. Review status: criteria provided, single submitter. Criteria: DASA Assertion Criteria. Collection method: clinical testing. Allele origin: germline.
Comment: NM_001376.5(DYNC1H1):c.13166_13176del (p.His4389Profs*22) is a frameshift variant in DYNC1H1 predicted to alter the reading frame and introduce a premature termination codon. This variant is absent from population databases. The currently available literature and clinical evidence are not sufficient to establish a definitive association between this variant and the reported condition. Therefore, this variant is classified as a variant of uncertain significance.

NM_001376.5(DYNC1H1):c.13166_13176del (p.His4389fs)

Gene: DYNC1H1 (dynein cytoplasmic 1 heavy chain 1; plus strand). Cytogenetic location: 14q32.31.
Variant type: Deletion.
Coding change: c.13166_13176del on transcript NM_001376.5 (MANE Select); coding-DNA positions 13166 to 13176, 11 bases deleted (ACCTCATCCCC).
Protein change: p.His4389fs; shifts the reading frame from histidine 4389.
Molecular consequence: frameshift variant.
Genome position (GRCh38, 1-based): chr14:102,047,976-102,047,986, ACCTCATCCCC deleted; deleting any 11 consecutive bases within chr14:102,047,975-102,047,986 gives the same sequence; the c. name uses the placement nearest the transcript's 3' end. VCF-style (leftmost placement, unchanged base first): chr14-102047974-GCACCTCATCCC-G. GRCh37 (hg19) VCF-style: chr14-102514311-GCACCTCATCCC-G.
Other names: short protein forms H4389fs.
Identifiers: ClinVar variation 4856919 (VCV004856919.2).
Genomic context (GRCh38, chr14:102,047,974, plus strand): 5'-CACGTCCGACGGGCGCCCTGCCTGGATGCGGACACTGCACACCACCGCGTCCAACTGGCT[GCACCTCATCCC>G]CCAGACGCTGAGCCACCTCAAGCGCACCGTGGAGAATATCAAGGTAGCTGGGAGGGTGGC-3'